The following is an entry in ClinVar:

ClinVar aggregate classification (germline): Uncertain significance (1 of 4 stars; one submission).

Allele frequency attached by ClinVar (database versions not stated): ExAC 0.00001.
gnomAD v4.1: 3 of 1,614,186 alleles (0.00019%); highest among the groups gnomAD compares: South Asian, 0.0033%; no homozygotes.

Submission:

Ambry Genetics
Classification: Uncertain significance. Last evaluated: 2024-03-18. Review status: criteria provided, single submitter. Criteria: Ambry Variant Classification Scheme 2023. Collection method: clinical testing. Allele origin: germline.
Comment: The p.H696R variant (also known as c.2087A>G), located in coding exon 21 of the KIF1B gene, results from an A to G substitution at nucleotide position 2087. The histidine at codon 696 is replaced by arginine, an amino acid with highly similar properties. This amino acid position is highly conserved in available vertebrate species. In addition, the in silico prediction for this alteration is inconclusive. Since supporting evidence is limited at this time, the clinical significance of this alteration remains unclear.

NM_001365951.3(KIF1B):c.2225A>G (p.His742Arg)

Gene: KIF1B (kinesin family member 1B; plus strand). Cytogenetic location: 1p36.22.
Variant type: single nucleotide variant.
Coding change: c.2225A>G on transcript NM_001365951.3 (MANE Select); coding-DNA position 2225, A replaced by G.
Protein change: p.His742Arg; replaces histidine 742 with arginine.
Molecular consequence: missense variant.
Genome position (GRCh38, 1-based): chr1:10,321,724, A>G. VCF-style: chr1-10321724-A-G. GRCh37 (hg19) VCF-style: chr1-10381782-A-G.
Other names: c.2225A>G, p.His742Arg (NM_001365952.1); c.2087A>G, p.His696Arg (NM_015074.3); short protein forms H696R, H742R.
Identifiers: ClinVar variation 1785650 (VCV001785650.2), dbSNP rs772658834, ClinGen allele CA581485.